The following is an entry in ClinVar:

NM_000138.5(FBN1):c.6911A>G (p.Asn2304Ser)

Gene: FBN1 (fibrillin 1; minus strand). Cytogenetic location: 15q21.1.
Variant type: single nucleotide variant.
Coding change: c.6911A>G on transcript NM_000138.5 (MANE Select); coding-DNA position 6911, A replaced by G.
Protein change: p.Asn2304Ser; replaces asparagine 2304 with serine.
Molecular consequence: missense variant.
Genome position (GRCh38, 1-based): chr15:48,428,432, T>C on the plus strand (A>G on the coding strand, the complement: FBN1 is on the minus strand). VCF-style: chr15-48428432-T-C. GRCh37 (hg19) VCF-style: chr15-48720629-T-C.
Other names: short protein forms N2304S.
Identifiers: ClinVar variation 921655 (VCV000921655.12), dbSNP rs375939213, ClinGen allele CA269521864.

ClinVar aggregate classification (germline): Uncertain significance. Review status: criteria provided, multiple submitters, no conflicts (2 of 4 stars). 6 submissions from 6 submitters: Uncertain significance (6). Last evaluated 2025-10-28.

Conditions:
Marfan syndrome (MFS). Also called: Marfan syndrome, classic; Marfan syndrome type 1; Marfan's syndrome; FBN1-Related Marfan Syndrome; MARFAN SYNDROME, TYPE I. Identifiers: Orphanet 284963, Orphanet 558, MedGen C0024796, MONDO:0007947, OMIM 154700.
Weill-Marchesani syndrome 2, dominant. Also called: FBN1-Related Weill-Marchesani Syndrome; Weill-Marchesani Syndrome, Autosomal Dominant. Identifiers: Orphanet 2084, MedGen C1869115, MONDO:0012013, OMIM 608328.
Progeroid and marfanoid aspect-lipodystrophy syndrome. Also called: MARFANOID-PROGEROID SYNDROME; MARFAN-PROGEROID-LIPODYSTROPHY SYNDROME; Marfan lipodystrophy syndrome; MARFANOID-PROGEROID-LIPODYSTROPHY SYNDROME. Identifiers: Orphanet 300382, MedGen C4310796, MONDO:0014831, OMIM 616914.
Acromicric dysplasia (ACMICD). Also called: Acromicric skeletal dysplasia. Identifiers: Orphanet 969, MedGen C0265287, MONDO:0007055, OMIM 102370.
Ectopia lentis 1, isolated, autosomal dominant (ECTOL1). Identifiers: Orphanet 1885, MedGen C3541518, MONDO:0007514, OMIM 129600.
Geleophysic dysplasia 2 (GPHYSD2). Identifiers: Orphanet 2623, MedGen C3280054, MONDO:0013612, OMIM 614185.
MASS syndrome (OCTD). Also called: OVERLAP CONNECTIVE TISSUE DISEASE; MASS PHENOTYPE. Identifiers: MedGen C1858556, MONDO:0011431, OMIM 604308.
Stiff skin syndrome (SSKS). Identifiers: Orphanet 2833, MedGen C1861456, MONDO:0008492, OMIM 184900.
Familial thoracic aortic aneurysm and aortic dissection (TAAD). Also called: Thoracic aortic aneurysms and dissections. Identifiers: Orphanet 91387, MedGen C4707243, MONDO:0019625.

Allele frequency attached by ClinVar (database versions not stated): ESP Exome Variant Server 0.00008; TOPMed 0.00003; gnomAD 0.00003 and 0.00004; gnomAD exomes 0.00004.
gnomAD v4.1: 63 of 1,613,948 alleles (0.0039%); highest among the groups gnomAD compares: Non-Finnish European, 0.0053%; no homozygotes.

Submissions (6):

Labcorp Genetics (formerly Invitae), Labcorp
Classification: Uncertain significance for Marfan syndrome; Familial thoracic aortic aneurysm and aortic dissection. Last evaluated: 2025-10-28. Review status: criteria provided, single submitter. Criteria: Invitae Variant Classification Sherloc (09022015). Collection method: clinical testing. Allele origin: germline.
Comment: This sequence change replaces asparagine, which is neutral and polar, with serine, which is neutral and polar, at codon 2304 of the FBN1 protein (p.Asn2304Ser). This variant is not present in population databases (gnomAD no frequency). This variant has not been reported in the literature in individuals affected with FBN1-related conditions. ClinVar contains an entry for this variant (Variation ID: 921655). Invitae Evidence Modeling of protein sequence and biophysical properties (such as structural, functional, and spatial information, amino acid conservation, physicochemical variation, residue mobility, and thermodynamic stability) indicates that this missense variant is expected to disrupt FBN1 protein function with a positive predictive value of 95%. In summary, the available evidence is currently insufficient to determine the role of this variant in disease. Therefore, it has been classified as a Variant of Uncertain Significance.

GeneDx
Classification: Uncertain significance. Last evaluated: 2024-12-04. Review status: criteria provided, single submitter. Criteria: GeneDx Variant Classification Process June 2021. Collection method: clinical testing. Allele origin: germline. Affected: yes.
Comment: Not observed at significant frequency in large population cohorts (gnomAD); In silico analysis supports that this missense variant has a deleterious effect on protein structure/function; Has not been previously published as pathogenic or benign to our knowledge; Does not affect a cysteine or calcium-binding residue within an EGF-like domain or a TGF-binding protein domain of the FBN1 gene; cysteine substitutions in the EGF-like domains represent the majority of pathogenic missense changes associated with FBN1-related disorders (PMID: 12938084); This variant is associated with the following publications: (PMID: 12938084)

Color Diagnostics, LLC DBA Color Health
Classification: Uncertain significance for Familial thoracic aortic aneurysm and aortic dissection. Last evaluated: 2024-03-07. Review status: criteria provided, single submitter. Criteria: ACMG Guidelines, 2015. Collection method: clinical testing. Allele origin: germline.
Comment: This missense variant replaces asparagine with serine at codon 2304 of the FBN1 protein. Computational prediction is inconclusive regarding the impact of this variant on protein structure and function (internally defined REVEL score threshold 0.5 < inconclusive < 0.7, PMID: 27666373). To our knowledge, functional studies have not been reported for this variant. This variant has not been reported in individuals affected with FBN1-related disorders in the literature. This variant has not been identified in the general population by the Genome Aggregation Database (gnomAD). The available evidence is insufficient to determine the role of this variant in disease conclusively. Therefore, this variant is classified as a Variant of Uncertain Significance.

All of Us Research Program, National Institutes of Health
Classification: Uncertain significance for Marfan syndrome. Last evaluated: 2023-05-16. Review status: criteria provided, single submitter. Criteria: ACMG Guidelines, 2015. Collection method: clinical testing. Allele origin: germline. Inheritance: Autosomal dominant inheritance. Observed: 4 variant alleles, 4 heterozygotes.
Comment: This missense variant replaces asparagine with serine at codon 2304 of the FBN1 protein. Computational prediction tools and conservation analyses suggest that this variant may have deleterious impact on the protein function. Computational splicing tools suggest that this variant may not impact RNA splicing. To our knowledge, functional assays have not been performed for this variant nor has this variant been reported in individuals affected with cardiovascular disorders in the literature. This variant has not been identified in the general population by the Genome Aggregation Database (gnomAD). Available evidence is insufficient to determine the role of this variant in disease conclusively. Therefore, this variant is classified as a Variant of Uncertain Significance.

This study involves interpretation of variants in research participants for the purpose of population health screening. Participant phenotype was not available at the time of variant classification. Additional details can be found in publication PMID: 35346344, PMCID: PMC8962531

CHEO Genetics Diagnostic Laboratory, Children's Hospital of Eastern Ontario
Classification: Uncertain significance for Familial thoracic aortic aneurysm and aortic dissection. Last evaluated: 2023-05-16. Review status: criteria provided, single submitter. Criteria: ACMG Guidelines, 2015. Collection method: clinical testing. Allele origin: germline.

Department of Pathology and Laboratory Medicine, Sinai Health System
Classification: Uncertain significance for Acromicric dysplasia; Ectopia lentis 1, isolated, autosomal dominant; Marfan syndrome; Stiff skin syndrome; MASS syndrome; Weill-Marchesani syndrome 2, dominant; Geleophysic dysplasia 2; Progeroid and marfanoid aspect-lipodystrophy syndrome. Last evaluated: 2022-10-19. Review status: criteria provided, single submitter. Criteria: ACMG Guidelines, 2015. Collection method: research. Allele origin: germline.